The following is an entry in ClinVar:

NM_006509.4(RELB):c.115G>C (p.Asp39His)

Gene: RELB (RELB proto-oncogene, NF-kB subunit; plus strand). Cytogenetic location: 19q13.32.
Variant type: single nucleotide variant.
Coding change: c.115G>C on transcript NM_006509.4 (MANE Select); coding-DNA position 115, G replaced by C.
Protein change: p.Asp39His; replaces aspartic acid 39 with histidine.
Molecular consequence: missense variant.
Genome position (GRCh38, 1-based): chr19:45,002,957, G>C. VCF-style: chr19-45002957-G-C. GRCh37 (hg19) VCF-style: chr19-45506215-G-C.
Other names: short protein forms D39H.
Identifiers: ClinVar variation 1470563 (VCV001470563.6), dbSNP rs769262512, ClinGen allele CA9507434.

ClinVar aggregate classification (germline): Uncertain significance (1 of 4 stars; one submission).

Allele frequency attached by ClinVar (database versions not stated): gnomAD exomes 0.00002; TOPMed 0.00003; ExAC 0.00004.
gnomAD v4.1: 4 of 1,613,412 alleles (0.00025%); highest among the groups gnomAD compares: East Asian, 0.0045%; no homozygotes.

Submission:

Labcorp Genetics (formerly Invitae), Labcorp
Classification: Uncertain significance. Last evaluated: 2023-06-27. Review status: criteria provided, single submitter. Criteria: Invitae Variant Classification Sherloc (09022015). Collection method: clinical testing. Allele origin: germline.
Comment: In summary, the available evidence is currently insufficient to determine the role of this variant in disease. Therefore, it has been classified as a Variant of Uncertain Significance. This variant has not been reported in the literature in individuals affected with RELB-related conditions. This variant is present in population databases (rs769262512, gnomAD 0.03%). This sequence change replaces aspartic acid, which is acidic and polar, with histidine, which is basic and polar, at codon 39 of the RELB protein (p.Asp39His). ClinVar contains an entry for this variant (Variation ID: 1470563). An algorithm developed to predict the effect of missense changes on protein structure and function (PolyPhen-2) suggests that this variant is likely to be tolerated.